The following is an entry in ClinVar:

NM_198239.2(CCN6):c.783+1_783+6del

Gene: CCN6 (cellular communication network factor 6; plus strand). Cytogenetic location: 6q21.
Variant type: Deletion.
Coding change: c.783+1_783+6del on transcript NM_198239.2 (MANE Select); the canonical splice donor site of the intron after coding-DNA position 783 through 6 bases into the intron after coding-DNA position 783, 6 bases deleted (GTAAAG; older notation c.783+1_783+6delGTAAAG).
Molecular consequence: splice donor variant.
Genome position (GRCh38, 1-based): chr6:112,068,399-112,068,404, GTAAAG deleted; deleting any 6 consecutive bases within chr6:112,068,394-112,068,404 gives the same sequence; the c. name uses the placement nearest the transcript's 3' end. VCF-style (leftmost placement, unchanged base first): chr6-112068393-ATAAAGG-A. GRCh37 (hg19) VCF-style: chr6-112389596-ATAAAGG-A.
Other names: c.783+1_783+6del (NM_003880.4).
Identifiers: ClinVar variation 4747537 (VCV004747537.2).

ClinVar aggregate classification (germline): Pathogenic. Review status: criteria provided, multiple submitters, no conflicts (2 of 4 stars). 2 submissions from 2 submitters: Pathogenic (2). Last evaluated 2026-01-12.

Conditions:
Chondrodysplasia. Identifiers: MedGen C0343284, MONDO:0022723.

Submissions (2):

Labcorp Genetics (formerly Invitae), Labcorp
Classification: Pathogenic. Last evaluated: 2026-01-12. Review status: criteria provided, single submitter. Criteria: Invitae Variant Classification Sherloc (09022015). Collection method: clinical testing. Allele origin: germline.
Comment: This sequence change affects a splice site in intron 5 of the WISP3 gene. It is expected to disrupt RNA splicing. Variants that disrupt the donor or acceptor splice site typically lead to a loss of protein function (PMID: 16199547), and loss-of-function variants in WISP3 are known to be pathogenic (PMID: 22791401). This variant is not present in population databases (gnomAD no frequency). Disruption of this splice site has been observed in individual(s) with progressive pseudorheumatoid dysplasia (PMID: 25988854, 37377052). This variant is also known as c.779_783+1delTAAAGG. Algorithms developed to predict the effect of sequence changes on RNA splicing suggest that this variant may disrupt the consensus splice site. For these reasons, this variant has been classified as Pathogenic.

AURAGEN, Plan France Médecine Génomique
Classification: Pathogenic for Chondrodysplasia. Last evaluated: 2021-12-07. Review status: criteria provided, single submitter. Criteria: PFMG2025 (Lancet Reg Health Eur. 2025). Collection method: clinical testing. Allele origin: germline. Affected: yes.

Literature cited by the submitters: PubMed 16199547 (cited by Labcorp Genetics (formerly Invitae), Labcorp); PubMed 22791401 (cited by Labcorp Genetics (formerly Invitae), Labcorp); PubMed 25988854 (cited by Labcorp Genetics (formerly Invitae), Labcorp); PubMed 37377052 (cited by Labcorp Genetics (formerly Invitae), Labcorp).